The following is an entry in ClinVar:

NM_001430.5(EPAS1):c.2003G>A (p.Gly668Glu)

Gene: EPAS1 (endothelial PAS domain protein 1; plus strand). Cytogenetic location: 2p21.
Variant type: single nucleotide variant.
Coding change: c.2003G>A on transcript NM_001430.5 (MANE Select); coding-DNA position 2003, G replaced by A.
Protein change: p.Gly668Glu; replaces glycine 668 with glutamic acid.
Molecular consequence: missense variant.
Genome position (GRCh38, 1-based): chr2:46,380,675, G>A. VCF-style: chr2-46380675-G-A. GRCh37 (hg19) VCF-style: chr2-46607814-G-A.
Other names: short protein forms G668E.
Identifiers: ClinVar variation 1784286 (VCV001784286.2), dbSNP rs1289546542, ClinGen allele CA346705324.

ClinVar aggregate classification (germline): Uncertain significance (1 of 4 stars; one submission).

Conditions:
Inborn genetic diseases. Identifiers: MedGen C0950123, MeSH D030342.

Allele frequency attached by ClinVar (database versions not stated): gnomAD exomes below 0.00001; gnomAD 0.00001.
gnomAD v4.1: 6 of 1,613,686 alleles (0.00037%); highest among the groups gnomAD compares: Non-Finnish European, 0.00051%; no homozygotes.

Submission:

Ambry Genetics
Classification: Uncertain significance for Inborn genetic diseases. Last evaluated: 2022-02-03. Review status: criteria provided, single submitter. Criteria: Ambry Variant Classification Scheme 2023. Collection method: clinical testing. Allele origin: germline.
Comment: The p.G668E variant (also known as c.2003G>A), located in coding exon 12 of the EPAS1 gene, results from a G to A substitution at nucleotide position 2003. The glycine at codon 668 is replaced by glutamic acid, an amino acid with similar properties. This amino acid position is conserved. In addition, this alteration is predicted to be tolerated by in silico analysis. Since supporting evidence is limited at this time, the clinical significance of this alteration remains unclear.